The following is an entry in ClinVar:

ClinVar aggregate classification (germline): Likely benign. Review status: criteria provided, multiple submitters, no conflicts (2 of 4 stars). 6 submissions from 6 submitters: Likely benign (6). Last evaluated 2026-01-25.

Conditions:
Cardiovascular phenotype. Identifiers: MedGen CN230736.
Cardiomyopathy (CMYO). Also called: Cardiomyopathies. Identifiers: Orphanet 167848, MedGen C0878544, MONDO:0004994, HP:0001638. Inheritance: Various modes of inheritance.
Hypertrophic cardiomyopathy. Also called: HYPERTROPHIC MYOCARDIOPATHY. Identifiers: Orphanet 217569, MedGen C0007194, MeSH D002312, MONDO:0005045, HP:0001639.

Allele frequency attached by ClinVar (database versions not stated): gnomAD exomes below 0.00001; gnomAD 0.00001; TOPMed 0.00001.

Submissions (6):

Labcorp Genetics (formerly Invitae), Labcorp
Classification: Likely benign for Hypertrophic cardiomyopathy. Last evaluated: 2026-01-25. Review status: criteria provided, single submitter. Criteria: Invitae Variant Classification Sherloc (09022015). Collection method: clinical testing. Allele origin: germline.

Ambry Genetics
Classification: Likely benign for Cardiovascular phenotype. Last evaluated: 2024-10-14. Review status: criteria provided, single submitter. Criteria: Ambry Variant Classification Scheme 2023. Collection method: clinical testing. Allele origin: germline.

Blueprint Genetics
Classification: Likely benign. Last evaluated: 2023-10-27. Review status: criteria provided, single submitter. Criteria: ACMG Guidelines, 2015. Collection method: clinical testing. Allele origin: germline.

All of Us Research Program, National Institutes of Health
Classification: Likely benign for Cardiomyopathy. Last evaluated: 2023-04-03. Review status: criteria provided, single submitter. Criteria: ACMG Guidelines, 2015. Collection method: clinical testing. Allele origin: germline. Inheritance: Autosomal dominant inheritance. Observed: 1 variant allele, 1 heterozygote.
Comment: This study involves interpretation of variants in research participants for the purpose of population health screening. Participant phenotype was not available at the time of variant classification. Additional details can be found in publication PMID: 35346344, PMCID: PMC8962531

Color Diagnostics, LLC DBA Color Health
Classification: Likely benign for Cardiomyopathy. Last evaluated: 2020-04-07. Review status: criteria provided, single submitter. Criteria: ACMG Guidelines, 2015. Collection method: clinical testing. Allele origin: germline.

Laboratory for Molecular Medicine, Mass General Brigham Personalized Medicine
Classification: Likely benign. Last evaluated: 2010-06-14. Review status: criteria provided, single submitter. Criteria: LMM Criteria. Collection method: clinical testing. Allele origin: germline. Observed: 1 variant allele.
Comment: This variant is not expected to have clinical significance because it is does no t change the amino acid at this position. Therefore, it is unlikely that this va riant is disease-causing.

NM_000257.4(MYH7):c.5703C>T (p.His1901=)

Gene: MYH7 (myosin heavy chain 7; minus strand). Cytogenetic location: 14q11.2.
Variant type: single nucleotide variant.
Coding change: c.5703C>T on transcript NM_000257.4 (MANE Select); coding-DNA position 5703, C replaced by T.
Protein change: p.His1901=; no amino-acid change (histidine 1901 retained).
Molecular consequence: synonymous variant.
Genome position (GRCh38, 1-based): chr14:23,413,846, G>A on the plus strand (C>T on the coding strand, the complement: MYH7 is on the minus strand). VCF-style: chr14-23413846-G-A. GRCh37 (hg19) VCF-style: chr14-23883055-G-A.
Identifiers: ClinVar variation 43081 (VCV000043081.17), dbSNP rs45570635, ClinGen allele CA016386.